The following is an entry in ClinVar:

NM_000350.3(ABCA4):c.161G>T (p.Cys54Phe)

Gene: ABCA4 (ATP binding cassette subfamily A member 4; minus strand). Cytogenetic location: 1p22.1.
Variant type: single nucleotide variant.
Coding change: c.161G>T on transcript NM_000350.3 (MANE Select); coding-DNA position 161, G replaced by T.
Protein change: p.Cys54Phe; replaces cysteine 54 with phenylalanine.
Molecular consequence: missense variant.
Genome position (GRCh38, 1-based): chr1:94,111,579, C>A on the plus strand (G>T on the coding strand, the complement: ABCA4 is on the minus strand). VCF-style: chr1-94111579-C-A. GRCh37 (hg19) VCF-style: chr1-94577135-C-A.
Other names: c.161G>T, p.Cys54Phe (NM_001425324.1); short protein forms C54F.
Identifiers: ClinVar variation 99066 (VCV000099066.4), dbSNP rs150774447, ClinGen allele CA226909.
Genomic context (GRCh38, chr1:94,111,579, plus strand): 5'-AAGATCCCCTGGAGCCACGGCAGCATTCCTGCTGAGGGCATCGCCTTGTTGGGGAAATGG[C>A]CTTTAAAACAGAAAATGAGGACAAGACGGGATTAGTCATGGAGACCAAGCAGGATGCAGA-3'
Protein context (NP_000341.2, residues 44-64): NANPLYSHHE[Cys54Phe]HFPNKAMPSA

ClinVar aggregate classification (germline): Pathogenic. Review status: no assertion criteria provided (0 of 4 stars). 2 submissions from 2 submitters: Pathogenic (1). 1 of the submissions does not count toward it.

Conditions:
Severe early-childhood-onset retinal dystrophy (STGD1). Also called: MACULAR DYSTROPHY WITH FLECKS, TYPE 1; STGD; Stargardt disease 1; Stargardt macular dystrophy; Juvenile onset macular degeneration. Identifiers: Orphanet 364055, Orphanet 827, MedGen C1855465, MeSH D000080362, MONDO:0009549, OMIM 248200.

gnomAD v4.1: 1 of 1,614,166 alleles (0.000062%); highest among the groups gnomAD compares: South Asian, 0.0011%; no homozygotes.

Submissions (2):

Department of Ophthalmology and Visual Sciences Kyoto University
Classification: Pathogenic for Stargardt disease 1. Review status: no assertion criteria provided. Collection method: not provided. Allele origin: unknown.
ClinVar note: Converted during submission from pathogenic to Pathogenic.

Retina International
No classification provided. Review status: no classification provided. Collection method: not provided. Allele origin: not provided. Not counted in ClinVar's aggregate classification.